The following is an entry in ClinVar:

NM_000228.3(LAMB3):c.1266C>A (p.Tyr422Ter)

Gene: LAMB3 (laminin subunit beta 3; minus strand). Cytogenetic location: 1q32.2.
Variant type: single nucleotide variant.
Coding change: c.1266C>A on transcript NM_000228.3 (MANE Select); coding-DNA position 1266, C replaced by A.
Protein change: p.Tyr422Ter; replaces tyrosine 422 with a stop codon.
Molecular consequence: nonsense.
Genome position (GRCh38, 1-based): chr1:209,628,057, G>T on the plus strand (C>A on the coding strand, the complement: LAMB3 is on the minus strand). VCF-style: chr1-209628057-G-T. GRCh37 (hg19) VCF-style: chr1-209801402-G-T.
Other names: c.1266C>A, p.Tyr422Ter (NM_001017402.2, NM_001127641.1); short protein forms Y422*.
Identifiers: ClinVar variation 962344 (VCV000962344.8), dbSNP rs766227083, ClinGen allele CA344591476.

ClinVar aggregate classification (germline): Pathogenic. Review status: criteria provided, multiple submitters, no conflicts (2 of 4 stars). 2 submissions from 2 submitters: Pathogenic (2). Last evaluated 2024-05-08.

Conditions:
Junctional epidermolysis bullosa. Identifiers: Orphanet 305, MedGen C0079301, MONDO:0017612.

Submissions (2):

Myriad Genetics, Inc.
Classification: Pathogenic for Junctional epidermolysis bullosa. Last evaluated: 2024-05-08. Review status: criteria provided, single submitter. Criteria: Myriad Autosomal Dominant, Autosomal Recessive and X-Linked Classification Criteria (2023). Collection method: clinical testing. Allele origin: unknown.
Comment: NM_000228.2(LAMB3):c.1266C>A(Y422*) is expected to be pathogenic in the context of junctional epidermolysis bullosa, LAMB3-related. This variant is predicted to lead to an abnormal or absent protein product due to the creation of a premature termination codon in LAMB3, a gene where loss-of-function variants are known to be pathogenic. Please note: this variant was assessed in the context of healthy population screening.

Labcorp Genetics (formerly Invitae), Labcorp
Classification: Pathogenic. Last evaluated: 2019-09-27. Review status: criteria provided, single submitter. Criteria: Invitae Variant Classification Sherloc (09022015). Collection method: clinical testing. Allele origin: germline.
Comment: This sequence change creates a premature translational stop signal (p.Tyr422*) in the LAMB3 gene. It is expected to result in an absent or disrupted protein product. For these reasons, this variant has been classified as Pathogenic. Loss-of-function variants in LAMB3 are known to be pathogenic (PMID: 11023379, 16473856). This variant has not been reported in the literature in individuals with LAMB3-related conditions. This variant is not present in population databases (ExAC no frequency).

Literature cited by the submitters: PubMed 11023379 (cited by Labcorp Genetics (formerly Invitae), Labcorp); PubMed 16473856 (cited by Labcorp Genetics (formerly Invitae), Labcorp).